The following is an entry in ClinVar:

ClinVar aggregate classification (germline): Likely pathogenic (1 of 4 stars; one submission).

Conditions:
Ehlers-Danlos syndrome, dermatosparaxis type. Also called: Dermatosparaxis; EDS VIIC; Ehlers-Danlos syndrome, type VII, autosomal recessive. Identifiers: Orphanet 1901, MedGen C2700425, MONDO:0009161, OMIM 225410.

Submission:

Myriad Genetics, Inc.
Classification: Likely pathogenic for Ehlers-Danlos syndrome, dermatosparaxis type. Last evaluated: 2021-12-17. Review status: criteria provided, single submitter. Criteria: Myriad Women's Health Autosomal Recessive and X-Linked Classification Criteria (2021). Collection method: clinical testing. Allele origin: unknown.
Comment: NM_014244.4(ADAMTS2):c.386_387ins5(L130Sfs*37) is expected to be pathogenic in the context of Ehlers-Danlos syndrome type VIIC. This variant is predicted to lead to an abnormal or absent protein product due to the creation of a premature termination codon in ADAMTS2, a gene where loss-of-function variants are known to be pathogenic. Please note: this variant was assessed in the context of healthy population screening.

NM_014244.5(ADAMTS2):c.386_387insATCGT (p.Leu130fs)

Gene: ADAMTS2 (ADAM metallopeptidase with thrombospondin type 1 motif 2; minus strand). Cytogenetic location: 5q35.3.
Variant type: Insertion.
Coding change: c.386_387insATCGT on transcript NM_014244.5 (MANE Select); coding-DNA positions 386 to 387, ATCGT inserted.
Protein change: p.Leu130fs; shifts the reading frame from leucine 130.
Molecular consequence: frameshift variant.
Genome position: GRCh38 VCF-style: chr5-179343914-G-GACGAT. GRCh37 (hg19) VCF-style: chr5-178770915-G-GACGAT.
Other names: c.386_387insATCGT, p.Leu130fs (NM_021599.4); short protein forms L130fs.
Identifiers: ClinVar variation 1726506 (VCV001726506.2), dbSNP rs2532190018, ClinGen allele CA2580074165.